The following is an entry in ClinVar:

ClinVar aggregate classification (germline): Likely pathogenic (1 of 4 stars; one submission).

Conditions:
Developmental and epileptic encephalopathy, 42 (DEE42A). Also called: Epileptic encephalopathy, early infantile, 42; DEVELOPMENTAL AND EPILEPTIC ENCEPHALOPATHY 42A; EPILEPTIC ENCEPHALOPATHY, EARLY INFANTILE, 42A. Identifiers: MedGen C4310716, MONDO:0014917, OMIM 617106.
Episodic ataxia type 2 (EA2). Also called: CEREBELLAR ATAXIA, PAROXYSMAL, ACETAZOLAMIDE-RESPONSIVE; CEREBELLOPATHY, HEREDITARY PAROXYSMAL; EPISODIC ATAXIA, NYSTAGMUS-ASSOCIATED; ATAXIA, EPISODIC, WITH NYSTAGMUS; ATAXIA, FAMILIAL PAROXYSMAL; ACETAZOLAMIDE-RESPONSIVE HEREDITARY PAROXYSMAL CEREBELLAR ATAXIA. Identifiers: Orphanet 97, MedGen C1720416, MONDO:0007163, OMIM 108500.

Submission:

Labcorp Genetics (formerly Invitae), Labcorp
Classification: Likely pathogenic for Epileptic encephalopathy, early infantile, 42; Episodic ataxia type 2. Last evaluated: 2018-11-22. Review status: criteria provided, single submitter. Criteria: Invitae Variant Classification Sherloc (09022015). Collection method: clinical testing. Allele origin: germline.
Comment: This variant is a deletion of the genomic region encompassing part of exon 5 (c.675_784+1177del) of the CACNA1A gene. It is expected to disrupt RNA splicing and likely results in an absent or disrupted protein product. This variant has not been reported in the literature in individuals with CACNA1A-related disease. Loss-of-function variants in CACNA1A are known to be pathogenic (PMID: 10371528, 19486177, 25735478, 27250579). In summary, the currently available evidence indicates that the variant is pathogenic, but additional data are needed to prove that conclusively. Therefore, this variant has been classified as Likely Pathogenic.

NM_001127222.2(CACNA1A):c.676_784+1178del

Gene: CACNA1A (calcium voltage-gated channel subunit alpha1 A; minus strand). Cytogenetic location: 19p13.13.
Variant type: Deletion.
Coding change: c.676_784+1178del on transcript NM_001127222.2 (MANE Select); coding-DNA position 676 through 1178 bases into the intron after coding-DNA position 784, 1,287 bases deleted.
Molecular consequence: splice donor variant.
Genome position (GRCh38, 1-based): chr19:13,364,139-13,365,425, 1,287 bases deleted. GRCh37 (hg19): chr19:13,474,958-13,476,244.
Other names: c.676_784+1178del (NM_001127221.2, NM_001174080.2, NM_000068.4 and 1 more transcripts).
Identifiers: ClinVar variation 642892 (VCV000642892.1), ClinGen allele CA915952913.